The following is an entry in ClinVar:

NM_177438.3(DICER1):c.2839G>A (p.Val947Ile)

Gene: DICER1 (dicer 1, ribonuclease III; minus strand). Cytogenetic location: 14q32.13.
Variant type: single nucleotide variant.
Coding change: c.2839G>A on transcript NM_177438.3 (MANE Select); coding-DNA position 2839, G replaced by A.
Protein change: p.Val947Ile; replaces valine 947 with isoleucine.
Molecular consequence: missense variant. On other transcripts: non-coding transcript variant (6).
Genome position (GRCh38, 1-based): chr14:95,106,189, C>T on the plus strand (G>A on the coding strand, the complement: DICER1 is on the minus strand). VCF-style: chr14-95106189-C-T. GRCh37 (hg19) VCF-style: chr14-95572526-C-T.
Other names: c.2839G>A, p.Val947Ile (NM_001195573.1, NM_001271282.3, NM_001291628.2 and 13 more transcripts); c.2557G>A, p.Val853Ile (NM_001395686.1); c.2434G>A, p.Val812Ile (NM_001395687.1, NM_001395688.1, NM_001395689.1 and 2 more transcripts); c.2272G>A, p.Val758Ile (NM_001395691.1); c.1156G>A, p.Val386Ile (NM_001395697.1); short protein forms V386I, V758I, V812I, V853I, V947I.
Identifiers: ClinVar variation 3229346 (VCV003229346.1), dbSNP rs2542790810, ClinGen allele CA390879196.

ClinVar aggregate classification (germline): Uncertain significance (1 of 4 stars; one submission).

Conditions:
Hereditary cancer-predisposing syndrome. Also called: Neoplastic Syndromes, Hereditary; Tumor predisposition; Hereditary neoplastic syndrome; Hereditary Cancer Syndrome. Identifiers: Orphanet 140162, MedGen C0027672, MeSH D009386, MONDO:0015356.

Submission:

Ambry Genetics
Classification: Uncertain significance for Hereditary cancer-predisposing syndrome. Last evaluated: 2023-12-08. Review status: criteria provided, single submitter. Criteria: Ambry Variant Classification Scheme 2023. Collection method: clinical testing. Allele origin: germline.
Comment: The p.V947I variant (also known as c.2839G>A), located in coding exon 17 of the DICER1 gene, results from a G to A substitution at nucleotide position 2839. The valine at codon 947 is replaced by isoleucine, an amino acid with highly similar properties. This amino acid position is conserved. In addition, this alteration is predicted to be tolerated by in silico analysis. Since supporting evidence is limited at this time, the clinical significance of this alteration remains unclear.